The following is an entry in ClinVar:

NM_002294.3(LAMP2):c.222T>A (p.Tyr74Ter)

Gene: LAMP2 (lysosome associated membrane protein 2; minus strand). Cytogenetic location: Xq24.
Variant type: single nucleotide variant.
Coding change: c.222T>A on transcript NM_002294.3 (MANE Select); coding-DNA position 222, T replaced by A.
Protein change: p.Tyr74Ter; replaces tyrosine 74 with a stop codon.
Molecular consequence: nonsense.
Genome position (GRCh38, 1-based): chrX:120,455,532, A>T on the plus strand (T>A on the coding strand, the complement: LAMP2 is on the minus strand). VCF-style: chrX-120455532-A-T. GRCh37 (hg19) VCF-style: chrX-119589387-A-T.
Other names: c.222T>A, p.Tyr74Ter (NM_001122606.1, NM_013995.2); short protein forms Y74*.
Identifiers: ClinVar variation 2755105 (VCV002755105.3), dbSNP rs2520908238, ClinGen allele CA414403445.

ClinVar aggregate classification (germline): Pathogenic (1 of 4 stars; one submission).

Conditions:
Danon disease. Also called: PSEUDOGLYCOGENOSIS II; GSD IIb; LYSOSOMAL GLYCOGEN STORAGE DISEASE WITHOUT ACID MALTASE DEFICIENCY; Glycogen Storage Disease Type IIb; ANTOPOL DISEASE. Identifiers: Orphanet 34587, MedGen C0878677, MONDO:0010281, OMIM 300257.

Submission:

Labcorp Genetics (formerly Invitae), Labcorp
Classification: Pathogenic for Danon disease. Last evaluated: 2023-08-25. Review status: criteria provided, single submitter. Criteria: Invitae Variant Classification Sherloc (09022015). Collection method: clinical testing. Allele origin: germline.
Comment: This variant is not present in population databases (gnomAD no frequency). This variant has not been reported in the literature in individuals affected with LAMP2-related conditions. For these reasons, this variant has been classified as Pathogenic. This sequence change creates a premature translational stop signal (p.Tyr74*) in the LAMP2 gene. It is expected to result in an absent or disrupted protein product. Loss-of-function variants in LAMP2 are known to be pathogenic (PMID: 21415759).

Literature cited by the submitters: PubMed 21415759.